The following is an entry in ClinVar:

ClinVar aggregate classification (germline): Uncertain significance (1 of 4 stars; one submission).

Allele frequency attached by ClinVar (database versions not stated): gnomAD exomes 0.00002; ExAC 0.00003; gnomAD 0.00003; 1000 Genomes Project 30x 0.00016; 1000 Genomes Project 0.00020.
gnomAD v4.1: 36 of 1,613,736 alleles (0.0022%); highest among the groups gnomAD compares: African/African-American, 0.0053%; no homozygotes.

Submission:

Labcorp Genetics (formerly Invitae), Labcorp
Classification: Uncertain significance. Last evaluated: 2024-06-28. Review status: criteria provided, single submitter. Criteria: Invitae Variant Classification Sherloc (09022015). Collection method: clinical testing. Allele origin: germline.
Comment: This sequence change replaces lysine, which is basic and polar, with arginine, which is basic and polar, at codon 31 of the ACVR1 protein (p.Lys31Arg). This variant is present in population databases (rs547743970, gnomAD 0.02%). This variant has not been reported in the literature in individuals affected with ACVR1-related conditions. ClinVar contains an entry for this variant (Variation ID: 1947179). Algorithms developed to predict the effect of missense changes on protein structure and function output the following: SIFT: "Not Available"; PolyPhen-2: "Benign"; Align-GVGD: "Not Available". The arginine amino acid residue is found in multiple mammalian species, which suggests that this missense change does not adversely affect protein function. In summary, the available evidence is currently insufficient to determine the role of this variant in disease. Therefore, it has been classified as a Variant of Uncertain Significance.

NM_001111067.4(ACVR1):c.92A>G (p.Lys31Arg)

Gene: ACVR1 (activin A receptor type 1; minus strand). Cytogenetic location: 2q24.1.
Variant type: single nucleotide variant.
Coding change: c.92A>G on transcript NM_001111067.4 (MANE Select); coding-DNA position 92, A replaced by G.
Protein change: p.Lys31Arg; replaces lysine 31 with arginine.
Molecular consequence: missense variant.
Genome position (GRCh38, 1-based): chr2:157,780,576, T>C on the plus strand (A>G on the coding strand, the complement: ACVR1 is on the minus strand). VCF-style: chr2-157780576-T-C. GRCh37 (hg19) VCF-style: chr2-158637088-T-C.
Other names: c.92A>G, p.Lys31Arg (NM_001105.5, NM_001347663.1, NM_001347666.1 and 3 more transcripts); short protein forms K31R.
Identifiers: ClinVar variation 1947179 (VCV001947179.5), dbSNP rs547743970, ClinGen allele CA1919224.